The following is an entry in ClinVar:

NM_001024630.4(RUNX2):c.859+3A>G

Gene: RUNX2 (RUNX family transcription factor 2; plus strand). Cytogenetic location: 6p21.1.
Variant type: single nucleotide variant.
Coding change: c.859+3A>G on transcript NM_001024630.4 (MANE Select); 3 bases into the intron after coding-DNA position 859, A replaced by G.
Molecular consequence: intron variant.
Genome position (GRCh38, 1-based): chr6:45,492,117, A>G. VCF-style: chr6-45492117-A-G. GRCh37 (hg19) VCF-style: chr6-45459854-A-G.
Other names: c.859+3A>G (NM_001015051.4); c.817+3A>G (NM_001369405.1, NM_001278478.2).
Identifiers: ClinVar variation 1039078 (VCV001039078.6), dbSNP rs1800497589, ClinGen allele CA1625467078.

ClinVar aggregate classification (germline): Uncertain significance (1 of 4 stars; one submission).

Submission:

Labcorp Genetics (formerly Invitae), Labcorp
Classification: Uncertain significance. Last evaluated: 2025-02-08. Review status: criteria provided, single submitter. Criteria: Invitae Variant Classification Sherloc (09022015). Collection method: clinical testing. Allele origin: germline.
Comment: This sequence change falls in intron 6 of the RUNX2 gene. It does not directly change the encoded amino acid sequence of the RUNX2 protein. It affects a nucleotide within the consensus splice site. This variant is not present in population databases (gnomAD no frequency). This variant has not been reported in the literature in individuals affected with RUNX2-related conditions. ClinVar contains an entry for this variant (Variation ID: 1039078). Variants that disrupt the consensus splice site are a relatively common cause of aberrant splicing (PMID: 17576681, 9536098). Algorithms developed to predict the effect of sequence changes on RNA splicing suggest that this variant is not likely to affect RNA splicing. In summary, the available evidence is currently insufficient to determine the role of this variant in disease. Therefore, it has been classified as a Variant of Uncertain Significance.

Literature cited by the submitters: PubMed 17576681; PubMed 9536098.